The following is an entry in ClinVar:

ClinVar aggregate classification (germline): Uncertain significance (1 of 4 stars; one submission).

Conditions:
Osteogenesis imperfecta type I (OI1). Also called: Classic Non-deforming Osteogenesis Imperfecta with Blue Sclerae; OI, TYPE I; OSTEOGENESIS IMPERFECTA TARDA; OSTEOGENESIS IMPERFECTA WITH BLUE SCLERAE; Osteogenesis imperfecta type 1; Lobstein's Disease. Identifiers: Orphanet 216796, Orphanet 666, MedGen C0023931, MONDO:0008146, OMIM 166200. Disease mechanism: loss of function.

Submission:

Labcorp Genetics (formerly Invitae), Labcorp
Classification: Uncertain significance for Osteogenesis imperfecta type I. Last evaluated: 2024-01-29. Review status: criteria provided, single submitter. Criteria: Invitae Variant Classification Sherloc (09022015). Collection method: clinical testing. Allele origin: germline.
Comment: This sequence change replaces valine, which is neutral and non-polar, with alanine, which is neutral and non-polar, at codon 177 of the COL1A1 protein (p.Val177Ala). This variant is not present in population databases (gnomAD no frequency). This variant has not been reported in the literature in individuals affected with COL1A1-related conditions. Advanced modeling of protein sequence and biophysical properties (such as structural, functional, and spatial information, amino acid conservation, physicochemical variation, residue mobility, and thermodynamic stability) performed at Invitae indicates that this missense variant is not expected to disrupt COL1A1 protein function with a negative predictive value of 95%. In summary, the available evidence is currently insufficient to determine the role of this variant in disease. Therefore, it has been classified as a Variant of Uncertain Significance.

NM_000088.4(COL1A1):c.530T>C (p.Val177Ala)

Gene: COL1A1 (collagen type I alpha 1 chain; minus strand). Cytogenetic location: 17q21.33.
Variant type: single nucleotide variant.
Coding change: c.530T>C on transcript NM_000088.4 (MANE Select); coding-DNA position 530, T replaced by C.
Protein change: p.Val177Ala; replaces valine 177 with alanine.
Molecular consequence: missense variant.
Genome position (GRCh38, 1-based): chr17:50,198,446, A>G on the plus strand (T>C on the coding strand, the complement: COL1A1 is on the minus strand). VCF-style: chr17-50198446-A-G. GRCh37 (hg19) VCF-style: chr17-48275807-A-G.
Other names: short protein forms V177A.
Identifiers: ClinVar variation 2710698 (VCV002710698.3), dbSNP rs2509249627, ClinGen allele CA400226039.